The following is an entry in ClinVar:

ClinVar aggregate classification (germline): Uncertain significance (1 of 4 stars; one submission).

Submission:

Labcorp Genetics (formerly Invitae), Labcorp
Classification: Uncertain significance. Last evaluated: 2024-04-30. Review status: criteria provided, single submitter. Criteria: Invitae Variant Classification Sherloc (09022015). Collection method: clinical testing. Allele origin: germline.
Comment: This sequence change replaces alanine, which is neutral and non-polar, with serine, which is neutral and polar, at codon 1375 of the POLE protein (p.Ala1375Ser). This variant is not present in population databases (gnomAD no frequency). This variant has not been reported in the literature in individuals affected with POLE-related conditions. ClinVar contains an entry for this variant (Variation ID: 574141). Advanced modeling of protein sequence and biophysical properties (such as structural, functional, and spatial information, amino acid conservation, physicochemical variation, residue mobility, and thermodynamic stability) performed at Invitae indicates that this missense variant is not expected to disrupt POLE protein function with a negative predictive value of 80%. In summary, the available evidence is currently insufficient to determine the role of this variant in disease. Therefore, it has been classified as a Variant of Uncertain Significance.

NM_006231.4(POLE):c.4123G>T (p.Ala1375Ser)

Gene: POLE (DNA polymerase epsilon, catalytic subunit; minus strand). Cytogenetic location: 12q24.33.
Variant type: single nucleotide variant.
Coding change: c.4123G>T on transcript NM_006231.4 (MANE Select); coding-DNA position 4123, G replaced by T.
Protein change: p.Ala1375Ser; replaces alanine 1375 with serine.
Molecular consequence: missense variant.
Genome position (GRCh38, 1-based): chr12:132,648,955, C>A on the plus strand (G>T on the coding strand, the complement: POLE is on the minus strand). VCF-style: chr12-132648955-C-A. GRCh37 (hg19) VCF-style: chr12-133225541-C-A.
Other names: short protein forms A1375S.
Identifiers: ClinVar variation 574141 (VCV000574141.8), dbSNP rs1390398091, ClinGen allele CA387383649.